The following is an entry in ClinVar:

ClinVar aggregate classification (germline): Uncertain significance (1 of 4 stars; one submission).

Conditions:
Cardiac arrhythmia. Also called: Arrhythmia; Cardiac rhythm disease. Identifiers: MedGen C0003811, MONDO:0007263, HP:0011675.

Submission:

Biesecker Lab/Clinical Genomics Section, National Institutes of Health
Classification: Uncertain significance for Cardiac arrhythmia. Last evaluated: 2013-06-24. Review status: criteria provided, single submitter. Criteria: Ng et al. (Circ Cardiovasc Genet. 2013). Collection method: research. Allele origin: unknown. Observed: 1 variant allele. Study: ClinSeq.
Comment: The study set was not selected for affection status in relation to any cancer. Pathogenicity categories were based on literature curation. See Pubmed ID:23861362 for details.

Medical sequencing

NM_001148.6(ANK2):c.11683G>C (p.Val3895Leu)

Gene: ANK2 (ankyrin 2; plus strand). Cytogenetic location: 4q26.
Variant type: single nucleotide variant.
Coding change: c.11683G>C on transcript NM_001148.6 (MANE Select); coding-DNA position 11683, G replaced by C.
Protein change: p.Val3895Leu; replaces valine 3895 with leucine.
Molecular consequence: missense variant. On other transcripts: intron variant (1).
Genome position (GRCh38, 1-based): chr4:113,373,162, G>C. VCF-style: chr4-113373162-G-C. GRCh37 (hg19) VCF-style: chr4-114294318-G-C.
Other names: c.5401G>C, p.Val1801Leu (NM_001127493.3); c.5440G>C, p.Val1814Leu (NM_001354225.2); c.5422G>C, p.Val1808Leu (NM_001354228.2); c.5407G>C, p.Val1803Leu (NM_001354230.2); c.5563G>C, p.Val1855Leu (NM_001354231.2); c.5557G>C, p.Val1853Leu (NM_001354232.2); c.5518G>C, p.Val1840Leu (NM_001354235.2); c.5326G>C, p.Val1776Leu (NM_001354236.2); and 44 more; short protein forms V1801L, V3895L, V1682L, V1739L, V1755L, V1763L, V1767L, V1840L.
Identifiers: ClinVar variation 191416 (VCV000191416.3), dbSNP rs72556370, ClinGen allele CA199816.